The following is an entry in ClinVar:

NM_002878.4(RAD51D):c.904-14A>C

Genes: RAD51D (RAD51 paralog D; minus strand), RAD51L3-RFFL (RAD51L3-RFFL readthrough; minus strand). Cytogenetic location: 17q12.
Variant type: single nucleotide variant.
Coding change: c.904-14A>C on transcript NM_002878.4 (MANE Select); 14 bases into the intron before coding-DNA position 904, A replaced by C.
Molecular consequence: intron variant.
Genome position (GRCh38, 1-based): chr17:35,101,050, T>G on the plus strand (A>C on the coding strand, the complement: RAD51D is on the minus strand). VCF-style: chr17-35101050-T-G. GRCh37 (hg19) VCF-style: chr17-33428069-T-G.
Other names: c.568-14A>C (NM_133629.3); c.964-14A>C (NM_001142571.2).
Identifiers: ClinVar variation 1576726 (VCV001576726.11), dbSNP rs2142409569, ClinGen allele CA2573153477.

ClinVar aggregate classification (germline): Conflicting classifications of pathogenicity. Review status: criteria provided, conflicting classifications (1 of 4 stars). 4 submissions from 4 submitters: Uncertain significance (1); Likely benign (3). Last evaluated 2025-03-04.

Conditions:
Hereditary cancer-predisposing syndrome. Also called: Hereditary Cancer Syndrome; Tumor predisposition; Neoplastic Syndromes, Hereditary; Hereditary neoplastic syndrome. Identifiers: Orphanet 140162, MedGen C0027672, MeSH D009386, MONDO:0015356.
Breast-ovarian cancer, familial, susceptibility to, 4. Identifiers: Orphanet 145, MedGen C3280345, MONDO:0013669, OMIM 614291.

Submissions (4):

Center for Genomic Medicine, Rigshospitalet, Copenhagen University Hospital
Classification: Likely benign. Last evaluated: 2025-03-04. Review status: criteria provided, single submitter. Criteria: ACMG Guidelines, 2015. Collection method: clinical testing. Allele origin: germline.

Myriad Genetics, Inc.
Classification: Likely benign for Breast-ovarian cancer, familial, susceptibility to, 4. Last evaluated: 2025-02-25. Review status: criteria provided, single submitter. Criteria: Myriad Autosomal Dominant, Autosomal Recessive and X-Linked Classification Criteria (2023). Collection method: clinical testing. Allele origin: unknown.
Comment: This variant is considered likely benign. This variant is intronic and is not expected to impact mRNA splicing.

Color Diagnostics, LLC DBA Color Health
Classification: Uncertain significance for Hereditary cancer-predisposing syndrome. Last evaluated: 2024-03-21. Review status: criteria provided, single submitter. Criteria: ACMG Guidelines, 2015. Collection method: clinical testing. Allele origin: germline.
Comment: This variant causes an A to C nucleotide substitution at the -14 position of intron 9/9 of the RAD51D gene. To our knowledge, RNA studies have not been reported for this variant. This variant has not been reported in individuals affected with RAD51D-related disorders in the literature. This variant has not been identified in the general population by the Genome Aggregation Database (gnomAD). The available evidence is insufficient to determine the role of this variant in disease conclusively. Therefore, this variant is classified as a Variant of Uncertain Significance.

Labcorp Genetics (formerly Invitae), Labcorp
Classification: Likely benign for Breast-ovarian cancer, familial, susceptibility to, 4. Last evaluated: 2021-03-17. Review status: criteria provided, single submitter. Criteria: Invitae Variant Classification Sherloc (09022015). Collection method: clinical testing. Allele origin: germline.